The following is an entry in ClinVar:

ClinVar aggregate classification (germline): Likely benign (0 of 4 stars; one submission).

Conditions:
SLC29A4-related disorder. Also called: SLC29A4-related condition.

Allele frequency attached by ClinVar (database versions not stated): TOPMed 0.00005; ESP Exome Variant Server 0.00008.

Submission:

PreventionGenetics, part of Exact Sciences
Classification: Likely benign for SLC29A4-related condition. Last evaluated: 2019-03-28. Review status: no assertion criteria provided. Collection method: clinical testing. Allele origin: germline.
Comment: This variant is classified as likely benign based on ACMG/AMP sequence variant interpretation guidelines (Richards et al. 2015 PMID: 25741868, with internal and published modifications).

NM_153247.4(SLC29A4):c.984G>A (p.Pro328=)

Gene: SLC29A4 (solute carrier family 29 member 4; plus strand). Cytogenetic location: 7p22.1.
Variant type: single nucleotide variant.
Coding change: c.984G>A on transcript NM_153247.4 (MANE Select); coding-DNA position 984, G replaced by A.
Protein change: p.Pro328=; no amino-acid change (proline 328 retained).
Molecular consequence: synonymous variant.
Genome position (GRCh38, 1-based): chr7:5,299,089, G>A. VCF-style: chr7-5299089-G-A. GRCh37 (hg19) VCF-style: chr7-5338720-G-A.
Other names: c.984G>A, p.Pro328= (NM_001040661.3); c.942G>A, p.Pro314= (NM_001300847.3).
Identifiers: ClinVar variation 3058690 (VCV003058690.2), dbSNP rs372219167, ClinGen allele CA4142738.